The following is an entry in ClinVar:

ClinVar aggregate classification (germline): Uncertain significance (1 of 4 stars; one submission).

Conditions:
Polycystic kidney disease, adult type (PKD1). Also called: Polycystic Kidney Disease 1, Autosomal Dominant; Polycystic kidney disease 1; Polycystic kidney disease 1, severe; Polycystic Kidney, Autosomal Dominant; POLYCYSTIC KIDNEY DISEASE 1 WITH OR WITHOUT POLYCYSTIC LIVER DISEASE; POLYCYSTIC KIDNEY DISEASE, ADULT, TYPE I. Identifiers: MedGen C3149841, MONDO:0008263, OMIM 173900.

Submission:

Victorian Clinical Genetics Services, Murdoch Childrens Research Institute
Classification: Uncertain significance for Polycystic kidney disease, adult type. Last evaluated: 2020-05-21. Review status: criteria provided, single submitter. Criteria: ACMG Guidelines, 2015. Collection method: clinical testing. Allele origin: germline. Inheritance: Autosomal dominant inheritance. Affected: yes.
Comment: Based on the classification scheme VCGS_Germline_v1.1.1, this variant is classified as VUS – 3A. Following criteria are met: 0102 - Loss-of-function is a known mechanism of disease for this gene. (N) 0107 - This gene is known to be associated with autosomal dominant disease. Disease is predominantly caused by monoallelic variants, with rare reports of bi-allelic variants causing disease. (N) 0200 - Variant is predicted to result in a missense amino acid change from a serine to an arginine (exon 36). (N) 0251 - Variant is heterozygous. (N) 0301 - Variant is absent from gnomAD. (P) 0501 - Missense variant with conflicting in silico predictions and is highly conserved with a major amino acid change. (P) 0504 - Same amino acid change has been observed in a mammal. (N) 0604 - Variant is not located in an established domain, motif, hotspot or informative constraint region. (N) 0704 – An inframe deletion variant involving this residue (p.Ala3594_Ser3595del) has been described as highly likely pathogenic. (N) 0807 - Variant has not previously been reported in a clinical context. (N) 0905 - No segregation evidence has been identified for this variant. (N) 1007 - No published functional evidence has been identified for this variant. (N) 1208 - Inheritance information for this variant is not currently available. (N) Legend: (P) - Pathogenic, (N) - Neutral, (B) - Benign

NM_001009944.3(PKD1):c.10785C>A (p.Ser3595Arg)

Genes: PKD1 (polycystin 1, transient receptor potential channel interacting; minus strand), PKD1-AS1 (PKD1 antisense RNA 1; plus strand). Cytogenetic location: 16p13.3.
Variant type: single nucleotide variant.
Coding change: c.10785C>A on transcript NM_001009944.3 (MANE Select); coding-DNA position 10785, C replaced by A.
Protein change: p.Ser3595Arg; replaces serine 3595 with arginine.
Molecular consequence: missense variant.
Genome position (GRCh38, 1-based): chr16:2,093,847, G>T on the plus strand (C>A on the coding strand, the complement: PKD1 is on the minus strand). VCF-style: chr16-2093847-G-T. GRCh37 (hg19) VCF-style: chr16-2143848-G-T.
Other names: c.10782C>A, p.Ser3594Arg (NM_000296.4); short protein forms S3594R, S3595R.
Identifiers: ClinVar variation 1805485 (VCV001805485.1), dbSNP rs1485228851, ClinGen allele CA394339890.